The following is an entry in ClinVar:

NM_015932.6(POMP):c.322A>C (p.Asn108His)

Gene: POMP (proteasome maturation protein; plus strand). Cytogenetic location: 13q12.3.
Variant type: single nucleotide variant.
Coding change: c.322A>C on transcript NM_015932.6 (MANE Select); coding-DNA position 322, A replaced by C.
Protein change: p.Asn108His; replaces asparagine 108 with histidine.
Molecular consequence: missense variant.
Genome position (GRCh38, 1-based): chr13:28,672,396, A>C. VCF-style: chr13-28672396-A-C. GRCh37 (hg19) VCF-style: chr13-29246533-A-C.
Other names: short protein forms N108H.
Identifiers: ClinVar variation 2324850 (VCV002324850.4), dbSNP rs902057231, ClinGen allele CA247678754.
Genomic context (GRCh38, chr13:28,672,396, plus strand): 5'-AAGGTTCAGCGTCTTCCATTTCTTTCAAGCTCAAATCTTTCACTGGATGTTTTGAGGGGT[A>C]ATGATGAGACTATTGGATTTGAGGATATTCTTAATGGTAAGTGTCATTCAGCACCTTTTT-3'
Protein context (NP_057016.1, residues 98-118): SNLSLDVLRG[Asn108His]DETIGFEDIL

ClinVar aggregate classification (germline): Uncertain significance. Review status: criteria provided, multiple submitters, no conflicts (2 of 4 stars). 2 submissions from 2 submitters: Uncertain significance (2). Last evaluated 2024-02-20.

Conditions:
Inborn genetic diseases. Identifiers: MedGen C0950123, MeSH D030342.

Allele frequency attached by ClinVar (database versions not stated): TOPMed below 0.00001; gnomAD exomes 0.00001.
gnomAD v4.1: 3 of 1,608,978 alleles (0.00019%); highest among the groups gnomAD compares: Non-Finnish European, 0.00026%; no homozygotes.

Submissions (2):

Labcorp Genetics (formerly Invitae), Labcorp
Classification: Uncertain significance. Last evaluated: 2024-02-20. Review status: criteria provided, single submitter. Criteria: Invitae Variant Classification Sherloc (09022015). Collection method: clinical testing. Allele origin: germline.
Comment: This sequence change replaces asparagine, which is neutral and polar, with histidine, which is basic and polar, at codon 108 of the POMP protein (p.Asn108His). This variant is present in population databases (no rsID available, gnomAD 0.0009%). This variant has not been reported in the literature in individuals affected with POMP-related conditions. ClinVar contains an entry for this variant (Variation ID: 2324850). An algorithm developed to predict the effect of missense changes on protein structure and function (PolyPhen-2) suggests that this variant is likely to be disruptive. In summary, the available evidence is currently insufficient to determine the role of this variant in disease. Therefore, it has been classified as a Variant of Uncertain Significance.

Ambry Genetics
Classification: Uncertain significance for Inborn genetic diseases. Last evaluated: 2022-11-08. Review status: criteria provided, single submitter. Criteria: Ambry Variant Classification Scheme 2023. Collection method: clinical testing. Allele origin: germline.